The following is an entry in ClinVar:

ClinVar aggregate classification (germline): Pathogenic (1 of 4 stars; one submission).

Conditions:
Marfan syndrome (MFS). Also called: MARFAN SYNDROME, TYPE I; Marfan syndrome type 1; Marfan's syndrome; Marfan syndrome, classic; FBN1-Related Marfan Syndrome. Identifiers: Orphanet 284963, Orphanet 558, MedGen C0024796, MONDO:0007947, OMIM 154700.
Familial thoracic aortic aneurysm and aortic dissection (TAAD). Also called: Thoracic aortic aneurysms and dissections. Identifiers: Orphanet 91387, MedGen C4707243, MONDO:0019625.

Submission:

Labcorp Genetics (formerly Invitae), Labcorp
Classification: Pathogenic for Marfan syndrome; Familial thoracic aortic aneurysm and aortic dissection. Last evaluated: 2024-09-09. Review status: criteria provided, single submitter. Criteria: Invitae Variant Classification Sherloc (09022015). Collection method: clinical testing. Allele origin: germline.
Comment: This sequence change replaces cysteine, which is neutral and slightly polar, with tryptophan, which is neutral and slightly polar, at codon 2307 of the FBN1 protein (p.Cys2307Trp). This variant is not present in population databases (gnomAD no frequency). This missense change has been observed in individual(s) with clinical features of Marfan syndrome (internal data). Invitae Evidence Modeling of protein sequence and biophysical properties (such as structural, functional, and spatial information, amino acid conservation, physicochemical variation, residue mobility, and thermodynamic stability) indicates that this missense variant is expected to disrupt FBN1 protein function with a positive predictive value of 95%. This variant affects a cysteine residue in the EGF-like, TGFBP or hybrid motif domains of FBN1. Cysteine residues are believed to be involved in intramolecular disulfide bridges and have been shown to be important for FBN1 protein structure (PMID: 16905551, 19349279). In addition, missense substitutions affecting cysteine residues within these domains are significantly overrepresented among patients with Marfan syndrome (PMID: 16571647, 17701892). This variant disrupts the p.Cys2307 amino acid residue in FBN1. Other variant(s) that disrupt this residue have been observed in individuals with FBN1-related conditions (PMID: 1569206, 19293843, 24793577), which suggests that this may be a clinically significant amino acid residue. For these reasons, this variant has been classified as Pathogenic.

Literature cited by the submitters: PubMed 16905551; PubMed 19349279; PubMed 16571647; PubMed 17701892; PubMed 1569206; PubMed 19293843; PubMed 24793577.

NM_000138.5(FBN1):c.6921C>G (p.Cys2307Trp)

Gene: FBN1 (fibrillin 1; minus strand). Cytogenetic location: 15q21.1.
Variant type: single nucleotide variant.
Coding change: c.6921C>G on transcript NM_000138.5 (MANE Select); coding-DNA position 6921, C replaced by G.
Protein change: p.Cys2307Trp; replaces cysteine 2307 with tryptophan.
Molecular consequence: missense variant.
Genome position (GRCh38, 1-based): chr15:48,428,422, G>C on the plus strand (C>G on the coding strand, the complement: FBN1 is on the minus strand). VCF-style: chr15-48428422-G-C. GRCh37 (hg19) VCF-style: chr15-48720619-G-C.
Other names: c.6921C>G, p.Cys2307Trp (NM_001406716.1); short protein forms C2307W.
Identifiers: ClinVar variation 3754047 (VCV003754047.2).
Genomic context (GRCh38, chr15:48,428,422, plus strand): 5'-GTTGGGGCTGGCGGTAAACCCATCATTACACTCACAGGTGTAGCTCCCACGGGTGTTGAG[G>C]CAGCGCCCATTCTCACAGATCCCTGGCTTCGTCTGACATTCATTCTCATCTGTTTGATTT-3'
Protein context (NP_000129.3, residues 2297-2317): TKPGICENGR[Cys2307Trp]LNTRGSYTCE